The following is an entry in ClinVar:

ClinVar aggregate classification (germline): Pathogenic (1 of 4 stars; one submission).

Conditions:
Developmental and epileptic encephalopathy, 9 (DEE9). Also called: Early infantile epileptic encephalopathy 9; JUBERG-HELLMAN SYNDROME; PCDH19-Related X-Linked Female-Limited Epilepsy with Mental Retardation; EPILEPSY, FEMALE-RESTRICTED, WITH MENTAL RETARDATION. Identifiers: Orphanet 101039, Orphanet 2076, MedGen C1848137, MONDO:0010246, OMIM 300088. Disease mechanism: loss of function.

Submission:

Labcorp Genetics (formerly Invitae), Labcorp
Classification: Pathogenic for Developmental and epileptic encephalopathy, 9. Last evaluated: 2023-02-25. Review status: criteria provided, single submitter. Criteria: Invitae Variant Classification Sherloc (09022015). Collection method: clinical testing. Allele origin: germline.
Comment: This sequence change creates a premature translational stop signal (p.Ser160Alafs*52) in the PCDH19 gene. It is expected to result in an absent or disrupted protein product. Loss-of-function variants in PCDH19 are known to be pathogenic (PMID: 21053371). This variant is not present in population databases (gnomAD no frequency). This variant has not been reported in the literature in individuals affected with PCDH19-related conditions. For these reasons, this variant has been classified as Pathogenic.

Literature cited by the submitters: PubMed 21053371.

NM_001184880.2(PCDH19):c.478del (p.Ser160fs)

Gene: PCDH19 (protocadherin 19; minus strand). Cytogenetic location: Xq22.1.
Variant type: Deletion.
Coding change: c.478del on transcript NM_001184880.2 (MANE Select); coding-DNA position 478, one base deleted (A; older notation c.478delA).
Protein change: p.Ser160fs; shifts the reading frame from serine 160.
Molecular consequence: frameshift variant.
Genome position (GRCh38, 1-based): chrX:100,408,120, T deleted on the plus strand (A on the coding strand, the reverse complement: PCDH19 is on the minus strand); the first of 2 consecutive T bases (chrX:100,408,120-100,408,121); deleting either gives the same sequence. VCF-style (leftmost placement, unchanged base first): chrX-100408119-CT-C. GRCh37 (hg19) VCF-style: chrX-99663117-CT-C.
Other names: c.478del, p.Ser160fs (NM_001105243.2, NM_020766.3); short protein forms S160fs.
Identifiers: ClinVar variation 2840795 (VCV002840795.3), dbSNP rs2520994141, ClinGen allele CA2739273665.
Genomic context (GRCh38, chrX:100,408,119, plus strand): 5'-GTCTTGATCTCCAGGCCGAACAGCTCGTTGGGCGTGAGCTCGTAAGTCTGCACGCCAAAG[CT>C]TCCTGAGTCTGGATCGTAAGCGCTGTCCAGCGGGATGCGCGTGCCAGGGCTGGCTGCCTC-3'